The following is an entry in ClinVar:

ClinVar aggregate classification (germline): Uncertain significance. Review status: criteria provided, multiple submitters, no conflicts (2 of 4 stars). 2 submissions from 2 submitters: Uncertain significance (2). Last evaluated 2024-01-16.

Conditions:
Joubert syndrome. Also called: JOUBERT-BOLTSHAUSER SYNDROME; Familial aplasia of the vermis. Identifiers: Orphanet 475, MedGen C5979921, MONDO:0018772.
Orofaciodigital syndrome I (OFD1). Also called: OFDS I; Papillon-Leage and Psaume Syndrome; Oral-Facial-Digital Syndrome Type I. Identifiers: Orphanet 2750, MedGen C1510460, MONDO:0010702, OMIM 311200.
Primary ciliary dyskinesia. Also called: Ciliary dyskinesia. Identifiers: Orphanet 244, MedGen C0008780, MONDO:0016575, HP:0012265.

Submissions (2):

Ambry Genetics
Classification: Uncertain significance for Primary ciliary dyskinesia. Last evaluated: 2024-01-16. Review status: criteria provided, single submitter. Criteria: Ambry Variant Classification Scheme 2023. Collection method: clinical testing. Allele origin: germline.

Labcorp Genetics (formerly Invitae), Labcorp
Classification: Uncertain significance for Orofaciodigital syndrome I; Joubert syndrome. Last evaluated: 2022-09-27. Review status: criteria provided, single submitter. Criteria: Invitae Variant Classification Sherloc (09022015). Collection method: clinical testing. Allele origin: germline.
Comment: This variant has not been reported in the literature in individuals affected with OFD1-related conditions. This variant is not present in population databases (gnomAD no frequency). This sequence change replaces serine, which is neutral and polar, with asparagine, which is neutral and polar, at codon 808 of the OFD1 protein (p.Ser808Asn). Advanced modeling of protein sequence and biophysical properties (such as structural, functional, and spatial information, amino acid conservation, physicochemical variation, residue mobility, and thermodynamic stability) performed at Invitae indicates that this missense variant is not expected to disrupt OFD1 protein function. In summary, the available evidence is currently insufficient to determine the role of this variant in disease. Therefore, it has been classified as a Variant of Uncertain Significance.

NM_003611.3(OFD1):c.2423G>A (p.Ser808Asn)

Gene: OFD1 (OFD1 centriole and centriolar satellite protein; plus strand). Cytogenetic location: Xp22.2.
Variant type: single nucleotide variant.
Coding change: c.2423G>A on transcript NM_003611.3 (MANE Select); coding-DNA position 2423, G replaced by A.
Protein change: p.Ser808Asn; replaces serine 808 with asparagine.
Molecular consequence: missense variant.
Genome position (GRCh38, 1-based): chrX:13,762,379, G>A. VCF-style: chrX-13762379-G-A. GRCh37 (hg19) VCF-style: chrX-13780498-G-A.
Other names: c.2303G>A, p.Ser768Asn (NM_001330209.2); c.2003G>A, p.Ser668Asn (NM_001330210.2); c.2423G>A (NM_003611.2); short protein forms S668N, S808N, S768N.
Identifiers: ClinVar variation 2190606 (VCV002190606.5), dbSNP rs2518959928, ClinGen allele CA412345231.
Genomic context (GRCh38, chrX:13,762,379, plus strand): 5'-CACGAGTTTTATCCTTCCAATCTAGTCTTTATCGAAGACAAACTGAACTTCAAGACAAAA[G>A]TGAATTTTCAGATGTGGACAAGCTAGCTTTTAAGGATAATGAGGAGTTTGAATCATCTTT-3'
Protein context (NP_003602.1, residues 798-818): YRRQTELQDK[Ser808Asn]EFSDVDKLAF